The following is an entry in ClinVar:

ClinVar aggregate classification (germline): Uncertain significance (0 of 4 stars; one submission).

Conditions:
NOBOX-related disorder. Also called: NOBOX-related condition.

gnomAD v4.1: 15 of 1,590,128 alleles (0.00094%); highest among the groups gnomAD compares: Admixed American, 0.0018%; no homozygotes.

Submission:

PreventionGenetics, part of Exact Sciences
Classification: Uncertain significance for NOBOX-related condition. Last evaluated: 2024-05-20. Review status: no assertion criteria provided. Collection method: clinical testing. Allele origin: germline.
Comment: The NOBOX c.755C>T variant is predicted to result in the amino acid substitution p.Ala252Val. To our knowledge, this variant has not been reported in the literature. This variant is reported in 0.0037% of alleles in individuals of European (Non-Finnish) descent in gnomAD. At this time, the clinical significance of this variant is uncertain due to the absence of conclusive functional and genetic evidence.

NM_001436401.1(NOBOX):c.500C>T (p.Ala167Val)

Gene: NOBOX (NOBOX oogenesis homeobox; minus strand). Cytogenetic location: 7q35.
Variant type: single nucleotide variant.
Coding change: c.500C>T on transcript NM_001436401.1 (MANE Select); coding-DNA position 500, C replaced by T.
Protein change: p.Ala167Val; replaces alanine 167 with valine.
Molecular consequence: missense variant. On other transcripts: intron variant (1).
Genome position (GRCh38, 1-based): chr7:144,401,135, G>A on the plus strand (C>T on the coding strand, the complement: NOBOX is on the minus strand). VCF-style: chr7-144401135-G-A. GRCh37 (hg19) VCF-style: chr7-144098228-G-A.
Other names: NM_001080413.3:c.755C>T; c.38-823C>T (NM_001436402.1); short protein forms A167V.
Identifiers: ClinVar variation 3352058 (VCV003352058.1).